The following is an entry in ClinVar:

NM_004700.4(KCNQ4):c.1647C>G (p.Phe549Leu)

Gene: KCNQ4 (potassium voltage-gated channel subfamily Q member 4; plus strand). Cytogenetic location: 1p34.2.
Variant type: single nucleotide variant.
Coding change: c.1647C>G on transcript NM_004700.4 (MANE Select); coding-DNA position 1647, C replaced by G.
Protein change: p.Phe549Leu; replaces phenylalanine 549 with leucine.
Molecular consequence: missense variant.
Genome position (GRCh38, 1-based): chr1:40,835,000, C>G. VCF-style: chr1-40835000-C-G. GRCh37 (hg19) VCF-style: chr1-41300672-C-G.
Other names: c.1485C>G, p.Phe495Leu (NM_172163.3); short protein forms F495L, F549L.
Identifiers: ClinVar variation 4813856 (VCV004813856.1).

ClinVar aggregate classification (germline): Likely pathogenic (1 of 4 stars; one submission).

Conditions:
Autosomal dominant nonsyndromic hearing loss 2A. Also called: Autosomal dominant nonsyndromic deafness 2A; DFNA2 Nonsyndromic Hearing Loss; Deafness, autosomal dominant 2A. Identifiers: Orphanet 90635, MedGen C2677637, MONDO:0010817, OMIM 600101.

gnomAD v4.1: 3 of 1,614,024 alleles (0.00019%); highest among the groups gnomAD compares: South Asian, 0.0011%; no homozygotes.

Submission:

Genetics Research Center, University of Social Welfare and Rehabilitation Sciences
Classification: Likely pathogenic for Autosomal dominant nonsyndromic hearing loss 2A. Review status: criteria provided, single submitter. Criteria: ACMG Guidelines, 2015. Collection method: research. Allele origin: germline. Affected: yes.
Comment: The variant is present in the gnomAD v2.1.1 dataset at a very low allele frequency (0.0004%) and has been previously reported in individual(s) affected with autosomal dominant nonsyndromic hearing loss (PMID:31126177). This variant was reported in an Iranian family with multiple affected members showing progressive, post-lingual, bilateral sensorineural hearing loss consistent with DFNA2A. The variant segregated with disease across affected family members and was absent in unaffected relatives. The p.Phe549Leu substitution affects a highly conserved phenylalanine residue located in the B-helix of the cytoplasmic C-terminal domain of kv7.4, a region critical for calmodulin binding, channel assembly, and gating. Structural and evolutionary analyses demonstrate that this residue is conserved across species and across all members of the kv7 potassium channel family, supporting functional importance. In silico prediction tools consistently predict a deleterious effect on protein function.

Literature cited by the submitters: PubMed 31126177.